The following is an entry in ClinVar:

NM_004519.4(KCNQ3):c.50_58dup (p.Asp17_Gly19dup)

Gene: KCNQ3 (potassium voltage-gated channel subfamily Q member 3; minus strand). Cytogenetic location: 8q24.22.
Variant type: Duplication.
Coding change: c.50_58dup on transcript NM_004519.4 (MANE Select); coding-DNA positions 50 to 58, 9 bases duplicated (ACGGGGGCG; older notation c.50_58dupACGGGGGCG).
Protein change: p.Asp17_Gly19dup.
Molecular consequence: inframe insertion.
Genome position (GRCh38, 1-based): chr8:132,480,475-132,480,483, CGCCCCCGT duplicated on the plus strand (ACGGGGGCG on the coding strand, the reverse complement: KCNQ3 is on the minus strand); duplicating any 9 consecutive bases within chr8:132,480,475-132,480,487 gives the same sequence; the c. name uses the placement nearest the transcript's 3' end. VCF-style (leftmost placement, unchanged base first): chr8-132480474-C-CCGCCCCCGT. GRCh37 (hg19) VCF-style: chr8-133492721-C-CCGCCCCCGT.
Identifiers: ClinVar variation 1022291 (VCV001022291.10), dbSNP rs1281937576, ClinGen allele CA847660500.

ClinVar aggregate classification (germline): Uncertain significance. Review status: criteria provided, multiple submitters, no conflicts (2 of 4 stars). 2 submissions from 2 submitters: Uncertain significance (2). Last evaluated 2026-02-04.

Conditions:
Benign neonatal seizures. Also called: Convulsions benign familial neonatal dominant form; Autosomal dominant form of benign neonatal seizures; Benign familial neonatal seizures; Benign neonatal familial convulsions; Benign familial neonatal epilepsy. Identifiers: Orphanet 1949, MedGen C0220669, MONDO:0016027.

Submissions (2):

Labcorp Genetics (formerly Invitae), Labcorp
Classification: Uncertain significance for Benign neonatal seizures. Last evaluated: 2026-02-04. Review status: criteria provided, single submitter. Criteria: Invitae Variant Classification Sherloc (09022015). Collection method: clinical testing. Allele origin: germline.
Comment: This variant, c.50_58dup, results in the insertion of 3 amino acid(s) of the KCNQ3 protein (p.Asp17_Gly19dup), but otherwise preserves the integrity of the reading frame. This variant is not present in population databases (gnomAD no frequency). This variant has not been reported in the literature in individuals affected with KCNQ3-related conditions. ClinVar contains an entry for this variant (Variation ID: 1022291). Experimental studies and prediction algorithms are not available or were not evaluated, and the functional significance of this variant is currently unknown. In summary, the available evidence is currently insufficient to determine the role of this variant in disease. Therefore, it has been classified as a Variant of Uncertain Significance.

GeneDx
Classification: Uncertain significance. Last evaluated: 2021-04-23. Review status: criteria provided, single submitter. Criteria: GeneDx Variant Classification Process June 2021. Collection method: clinical testing. Allele origin: germline. Affected: yes.
Comment: Not observed in large population cohorts (Lek et al., 2016); In-frame insertion of 3 amino acids in a repetitive region with no known function; Has not been previously published as pathogenic or benign to our knowledge